The following is an entry in ClinVar:

NM_001035.3(RYR2):c.4160+5del

Genes: RYR2 (ryanodine receptor 2; plus strand), LOC126806067 (BRD4-independent group 4 enhancer GRCh37_chr1:237753258-237754457; plus strand). Cytogenetic location: 1q43.
Variant type: Deletion.
Coding change: c.4160+5del on transcript NM_001035.3 (MANE Select); 5 bases into the intron after coding-DNA position 4160, one base deleted (C; older notation c.4160+5delC).
Molecular consequence: intron variant.
Genome position (GRCh38, 1-based): chr1:237,590,997, C deleted. VCF-style (leftmost placement, unchanged base first): chr1-237590996-AC-A. GRCh37 (hg19) VCF-style: chr1-237754296-AC-A.
Identifiers: ClinVar variation 3071037 (VCV003071037.1), dbSNP rs2546617399, ClinGen allele CA2651202239.

ClinVar aggregate classification (germline): Uncertain significance (1 of 4 stars; one submission).

Conditions:
Catecholaminergic polymorphic ventricular tachycardia (CVPT). Also called: Catecholamine-induced polymorphic ventricular tachycardia. Identifiers: Orphanet 3286, MedGen C5574922, MONDO:0017990.

Allele frequency attached by ClinVar (database versions not stated): gnomAD exomes below 0.00001.

Submission:

All of Us Research Program, National Institutes of Health
Classification: Uncertain significance for Catecholaminergic polymorphic ventricular tachycardia. Last evaluated: 2023-05-16. Review status: criteria provided, single submitter. Criteria: ACMG Guidelines, 2015. Collection method: clinical testing. Allele origin: germline. Inheritance: Autosomal dominant inheritance. Observed: 1 variant allele, 1 heterozygote.
Comment: This variant causes deletion in intron 31 of the RYR2 gene. To our knowledge, functional studies have not been reported for this variant. This variant has not been reported in individuals affected with RYR2-related disorders in the literature. This variant has not been identified in the general population by the Genome Aggregation Database (gnomAD). The available evidence is insufficient to determine the role of this variant in disease conclusively. Therefore, this variant is classified as a Variant of Uncertain Significance.

This study involves interpretation of variants in research participants for the purpose of population health screening. Participant phenotype was not available at the time of variant classification. Additional details can be found in publication PMID: 35346344, PMCID: PMC8962531